The following is an entry in ClinVar:

NM_000448.3(RAG1):c.1403C>T (p.Ala468Val)

Gene: RAG1 (recombination activating 1; plus strand). Cytogenetic location: 11p12.
Variant type: single nucleotide variant.
Coding change: c.1403C>T on transcript NM_000448.3 (MANE Select); coding-DNA position 1403, C replaced by T.
Protein change: p.Ala468Val; replaces alanine 468 with valine.
Molecular consequence: missense variant.
Genome position (GRCh38, 1-based): chr11:36,574,707, C>T. VCF-style: chr11-36574707-C-T. GRCh37 (hg19) VCF-style: chr11-36596257-C-T.
Other names: c.1403C>T, p.Ala468Val (NM_001377277.1, NM_001377278.1, NM_001377279.1 and 3 more transcripts); short protein forms A468V.
Identifiers: ClinVar variation 4794553 (VCV004794553.1).

ClinVar aggregate classification (germline): Uncertain significance (1 of 4 stars; one submission).

Conditions:
Severe combined immunodeficiency, autosomal recessive, T cell-negative, B cell-negative, NK cell-positive. Also called: SCID, T CELL-NEGATIVE, B CELL-NEGATIVE, NK CELL-POSITIVE; Severe combined immunodeficiency due to complete RAG1/2 deficiency; SCID, AR, T-cell negative, B-cell negative, NK cell-positive. Identifiers: Orphanet 331206, MedGen C1832322, MONDO:0011086, OMIM 601457.
Combined immunodeficiency with skin granulomas. Identifiers: Orphanet 157949, MedGen C2673536, MONDO:0009306, OMIM 233650.

gnomAD v4.1: 2 of 1,614,106 alleles (0.00012%); highest among the groups gnomAD compares: Non-Finnish European, 0.00017%; no homozygotes.

Submission:

Labcorp Genetics (formerly Invitae), Labcorp
Classification: Uncertain significance for Combined immunodeficiency with skin granulomas; Severe combined immunodeficiency, autosomal recessive, T cell-negative, B cell-negative, NK cell-positive. Last evaluated: 2026-01-21. Review status: criteria provided, single submitter. Criteria: Invitae Variant Classification Sherloc (09022015). Collection method: clinical testing. Allele origin: germline.
Comment: This sequence change replaces alanine, which is neutral and non-polar, with valine, which is neutral and non-polar, at codon 468 of the RAG1 protein (p.Ala468Val). This variant is present in population databases (no rsID available, gnomAD 0.007%). This variant has not been reported in the literature in individuals affected with RAG1-related conditions. Invitae Evidence Modeling of protein sequence and biophysical properties (such as structural, functional, and spatial information, amino acid conservation, physicochemical variation, residue mobility, and thermodynamic stability) has been performed for this missense variant. However, the output from this modeling did not meet the statistical confidence thresholds required to predict the impact of this variant on RAG1 protein function. In summary, the available evidence is currently insufficient to determine the role of this variant in disease. Therefore, it has been classified as a Variant of Uncertain Significance.